The following is an entry in ClinVar:

ClinVar aggregate classification (germline): Uncertain significance (1 of 4 stars; one submission).

Submission:

Women's Health and Genetics/Laboratory Corporation of America, LabCorp
Classification: Uncertain significance. Last evaluated: 2022-01-17. Review status: criteria provided, single submitter. Criteria: LabCorp Variant Classification Summary - May 2015. Collection method: clinical testing. Allele origin: germline.
Comment: Variant summary: SOS1 c.2490C>A (p.Asn830Lys) results in a non-conservative amino acid change located in the Ras guanine-nucleotide exchange factors catalytic domain (IPR001895) of the encoded protein sequence. Three of five in-silico tools predict a damaging effect of the variant on protein function. The variant was absent in 251188 control chromosomes. The available data on variant occurrences in the general population are insufficient to allow any conclusion about variant significance. To our knowledge, no occurrence of c.2490C>A in individuals affected with Noonan Syndrome and no experimental evidence demonstrating its impact on protein function have been reported. No clinical diagnostic laboratories have submitted clinical-significance assessments for this variant to ClinVar after 2014. Based on the evidence outlined above, the variant was classified as uncertain significance.

NM_005633.4(SOS1):c.2490C>A (p.Asn830Lys)

Gene: SOS1 (SOS Ras/Rac guanine nucleotide exchange factor 1; minus strand). Cytogenetic location: 2p22.1.
Variant type: single nucleotide variant.
Coding change: c.2490C>A on transcript NM_005633.4 (MANE Select); coding-DNA position 2490, C replaced by A.
Protein change: p.Asn830Lys; replaces asparagine 830 with lysine.
Molecular consequence: missense variant.
Genome position (GRCh38, 1-based): chr2:39,010,604, G>T on the plus strand (C>A on the coding strand, the complement: SOS1 is on the minus strand). VCF-style: chr2-39010604-G-T. GRCh37 (hg19) VCF-style: chr2-39237745-G-T.
Other names: c.2469C>A, p.Asn823Lys (NM_001382394.1); c.2490C>A, p.Asn830Lys (NM_001382395.1); short protein forms N823K, N830K.
Identifiers: ClinVar variation 1339711 (VCV001339711.1), dbSNP rs730881029, ClinGen allele CA346363744.